The following is an entry in ClinVar:

NM_032620.4(GTPBP3):c.946C>T (p.Gln316Ter)

Gene: GTPBP3 (GTP binding protein 3, mitochondrial; plus strand). Cytogenetic location: 19p13.11.
Variant type: single nucleotide variant.
Coding change: c.946C>T on transcript NM_032620.4 (MANE Select); coding-DNA position 946, C replaced by T.
Protein change: p.Gln316Ter; replaces glutamine 316 with a stop codon.
Molecular consequence: nonsense.
Genome position (GRCh38, 1-based): chr19:17,339,571, C>T. VCF-style: chr19-17339571-C-T. GRCh37 (hg19) VCF-style: chr19-17450380-C-T.
Other names: c.946C>T, p.Gln316Ter (NM_001128855.3); c.1012C>T, p.Gln338Ter (NM_001195422.1); c.1042C>T, p.Gln348Ter (NM_133644.4); short protein forms Q316*, Q348*, Q338*.
Identifiers: ClinVar variation 3678863 (VCV003678863.2).

ClinVar aggregate classification (germline): Pathogenic (1 of 4 stars; one submission).

Submission:

Labcorp Genetics (formerly Invitae), Labcorp
Classification: Pathogenic. Last evaluated: 2024-06-17. Review status: criteria provided, single submitter. Criteria: Invitae Variant Classification Sherloc (09022015). Collection method: clinical testing. Allele origin: germline.
Comment: This sequence change creates a premature translational stop signal (p.Gln348*) in the GTPBP3 gene. It is expected to result in an absent or disrupted protein product. Loss-of-function variants in GTPBP3 are known to be pathogenic (PMID: 25434004). This variant is present in population databases (rs748619628, gnomAD 0.007%). This variant has not been reported in the literature in individuals affected with GTPBP3-related conditions. Algorithms developed to predict the effect of sequence changes on RNA splicing suggest that this variant may disrupt the consensus splice site. For these reasons, this variant has been classified as Pathogenic.

Literature cited by the submitters: PubMed 25434004.